The following is an entry in ClinVar:

NM_000079.4(CHRNA1):c.182T>C (p.Ile61Thr)

Gene: CHRNA1 (cholinergic receptor nicotinic alpha 1 subunit; minus strand). Cytogenetic location: 2q31.1.
Variant type: single nucleotide variant.
Coding change: c.182T>C on transcript NM_000079.4 (MANE Select); coding-DNA position 182, T replaced by C.
Protein change: p.Ile61Thr; replaces isoleucine 61 with threonine.
Molecular consequence: missense variant.
Genome position (GRCh38, 1-based): chr2:174,759,495, A>G on the plus strand (T>C on the coding strand, the complement: CHRNA1 is on the minus strand). VCF-style: chr2-174759495-A-G. GRCh37 (hg19) VCF-style: chr2-175624223-A-G.
Other names: c.182T>C, p.Ile61Thr (NM_001039523.3); short protein forms I61T.
Identifiers: ClinVar variation 4845290 (VCV004845290.1).

ClinVar aggregate classification (germline): Uncertain significance (1 of 4 stars; one submission).

Conditions:
Myasthenic syndrome, congenital, 1A, slow-channel. Also called: CMS IIa; MYASTHENIC SYNDROME, CONGENITAL, TYPE IIa; Congenital myasthenic syndrome 1A. Identifiers: MedGen C2931107, MONDO:0011088, OMIM 601462.

Submission:

Pediatric Neurology, Ankara Etlik City Hospital, Health Sciences University
Classification: Uncertain significance for Myasthenic syndrome, congenital, 1A, slow-channel. Last evaluated: 2026-04-14. Review status: criteria provided, single submitter. Criteria: ACMG Guidelines, 2015. Collection method: clinical testing. Allele origin: germline. Inheritance: Autosomal dominant inheritance. Affected: yes. Observed: 1 variant allele, 1 heterozygote.
Comment: PM2 PP3